The following is an entry in ClinVar:

ClinVar aggregate classification (germline): Likely pathogenic (1 of 4 stars; one submission).

Allele frequency attached by ClinVar (database versions not stated): gnomAD 0.00001.

Submission:

Labcorp Genetics (formerly Invitae), Labcorp
Classification: Likely pathogenic. Last evaluated: 2023-08-17. Review status: criteria provided, single submitter. Criteria: Invitae Variant Classification Sherloc (09022015). Collection method: clinical testing. Allele origin: germline.
Comment: In summary, the currently available evidence indicates that the variant is pathogenic, but additional data are needed to prove that conclusively. Therefore, this variant has been classified as Likely Pathogenic. Algorithms developed to predict the effect of sequence changes on RNA splicing suggest that this variant may disrupt the consensus splice site. ClinVar contains an entry for this variant (Variation ID: 1502993). This variant has not been reported in the literature in individuals affected with MYSM1-related conditions. This variant is present in population databases (no rsID available, gnomAD 0.007%). This sequence change affects an acceptor splice site in intron 1 of the MYSM1 gene. It is expected to disrupt RNA splicing. Variants that disrupt the donor or acceptor splice site typically lead to a loss of protein function (PMID: 16199547), and loss-of-function variants in MYSM1 are known to be pathogenic (PMID: 24288411, 28115216).

Literature cited by the submitters: PubMed 16199547; PubMed 24288411; PubMed 28115216.

NM_001085487.3(MYSM1):c.69-2A>G

Gene: MYSM1 (Myb like, SWIRM and MPN domains 1; minus strand). Cytogenetic location: 1p32.1.
Variant type: single nucleotide variant.
Coding change: c.69-2A>G on transcript NM_001085487.3 (MANE Select); the canonical splice acceptor site of the intron before coding-DNA position 69, A replaced by G.
Molecular consequence: splice acceptor variant.
Genome position (GRCh38, 1-based): chr1:58,695,209, T>C on the plus strand (A>G on the coding strand, the complement: MYSM1 is on the minus strand). VCF-style: chr1-58695209-T-C. GRCh37 (hg19) VCF-style: chr1-59160881-T-C.
Identifiers: ClinVar variation 1502993 (VCV001502993.6), dbSNP rs1307057213, ClinGen allele CA340534142.
Genomic context (GRCh38, chr1:58,695,209, plus strand): 5'-TCCAAGATGAATCAAGATAGTGATCTTTTTGTAAAACTGATGCTGTATTTTCACCACTTC[T>C]GTAATAATTAAGAAAATGAGTATATAAGTGAAAATCATATTAGTTAATGAATGTAACTTA-3'